The following is an entry in ClinVar:

NM_001374828.1(ARID1B):c.5127G>A (p.Thr1709=)

Gene: ARID1B (AT-rich interaction domain 1B; plus strand). Cytogenetic location: 6q25.3.
Variant type: single nucleotide variant.
Coding change: c.5127G>A on transcript NM_001374828.1 (MANE Select); coding-DNA position 5127, G replaced by A.
Protein change: p.Thr1709=; no amino-acid change (threonine 1709 retained).
Molecular consequence: synonymous variant.
Genome position (GRCh38, 1-based): chr6:157,201,352, G>A. VCF-style: chr6-157201352-G-A. GRCh37 (hg19) VCF-style: chr6-157522486-G-A.
Other names: c.4878G>A, p.Thr1626= (NM_001346813.1); c.2628G>A, p.Thr876= (NM_001363725.2); c.5007G>A, p.Thr1669= (NM_001371656.1, NM_001374820.1); c.4968G>A, p.Thr1656= (NM_017519.3); c.4758G>A, p.Thr1586= (NM_020732.3); c.4545G>A, p.Thr1515= (NM_175863.2).
Identifiers: ClinVar variation 1923866 (VCV001923866.6), dbSNP rs746960777, ClinGen allele CA4067764.
Genomic context (GRCh38, chr6:157,201,352, plus strand): 5'-CATGTCTCCAAGCAAGTCTCCTTTTCTGCCGTCTATGAAGATGCAGAAGGTCATGCCCAC[G>A]GTCCCCACATCCCAGGTCACCGGGCCACCACCCCAACCACCCCCAATCAGAAGGGAGATC-3'
Protein context (NP_001361757.1, residues 1699-1719): PSMKMQKVMP[Thr1709=]VPTSQVTGPP

ClinVar aggregate classification (germline): Likely benign. Review status: criteria provided, multiple submitters, no conflicts (2 of 4 stars). 2 submissions from 2 submitters: Likely benign (2). Last evaluated 2026-09-01.

Allele frequency attached by ClinVar (database versions not stated): ExAC 0.00002; gnomAD 0.00002; gnomAD exomes 0.00002; TOPMed 0.00003.
gnomAD v4.1: 28 of 1,613,222 alleles (0.0017%); highest among the groups gnomAD compares: East Asian, 0.0045%; no homozygotes.

Submissions (2):

CeGaT Center for Human Genetics Tuebingen
Classification: Likely benign. Last evaluated: 2026-09-01. Review status: criteria provided, single submitter. Criteria: CeGaT Center For Human Genetics Tuebingen Variant Classification Criteria Version 2. Collection method: clinical testing. Allele origin: germline. Affected: yes. Observed: 1 variant allele.
Comment: ARID1B: BP4, BP7

Labcorp Genetics (formerly Invitae), Labcorp
Classification: Likely benign. Last evaluated: 2023-05-27. Review status: criteria provided, single submitter. Criteria: Invitae Variant Classification Sherloc (09022015). Collection method: clinical testing. Allele origin: germline.